The following is an entry in ClinVar:

ClinVar aggregate classification (germline): Likely pathogenic (1 of 4 stars; one submission).

Conditions:
Dilated cardiomyopathy 1G (CMD1G). Identifiers: Orphanet 154, MedGen C1858763, MONDO:0011400, OMIM 604145.
Autosomal recessive limb-girdle muscular dystrophy type 2J (LGMDR10). Also called: Limb-girdle muscular dystrophy, type 2J; MUSCULAR DYSTROPHY, LIMB-GIRDLE, AUTOSOMAL RECESSIVE 10. Identifiers: Orphanet 140922, MedGen C1837342, MONDO:0012127, OMIM 608807.

Submission:

Labcorp Genetics (formerly Invitae), Labcorp
Classification: Likely pathogenic for Dilated cardiomyopathy 1G; Autosomal recessive limb-girdle muscular dystrophy type 2J. Last evaluated: 2024-11-04. Review status: criteria provided, single submitter. Criteria: Invitae Variant Classification Sherloc (09022015). Collection method: clinical testing. Allele origin: germline.
Comment: This sequence change creates a premature translational stop signal (p.Trp8297*) in the TTN gene. While this is not anticipated to result in nonsense mediated decay, it is expected to create a truncated TTN protein. This variant is not present in population databases (gnomAD no frequency). This premature translational stop signal has been observed in individual(s) with clinical features of a neuromuscular condition (PMID: 31127727). This variant has been reported in individual(s) with autosomal dominant dilated cardiomyopathy (internal data); however, the role of the variant in this condition is currently unclear. This variant is also known as c.21159G>A (p.W7053*). ClinVar contains an entry for this variant (Variation ID: 1055616). This variant is located in the I band of TTN (PMID: 25589632). Truncating variants in this region have been reported in individuals affected with autosomal recessive centronuclear myopathy (PMID: 23975875, internal data). Truncating variants in this region have also been identified in individuals affected with autosomal dominant dilated cardiomyopathy and/or cardio-related conditions (PMID: 27869827, 32964742, internal data). In summary, the currently available evidence indicates that the variant is pathogenic, but additional data are needed to prove that conclusively. Therefore, this variant has been classified as Likely Pathogenic.

Literature cited by the submitters: PubMed 31127727; PubMed 25589632; PubMed 23975875; PubMed 27869827; PubMed 32964742.

NM_001267550.2(TTN):c.24890G>A (p.Trp8297Ter)

Gene: TTN (titin; minus strand). Cytogenetic location: 2q31.2.
Variant type: single nucleotide variant.
Coding change: c.24890G>A on transcript NM_001267550.2 (MANE Select); coding-DNA position 24890, G replaced by A.
Protein change: p.Trp8297Ter; replaces tryptophan 8297 with a stop codon.
Molecular consequence: nonsense. On other transcripts: intron variant (3).
Genome position (GRCh38, 1-based): chr2:178,718,116, C>T on the plus strand (G>A on the coding strand, the complement: TTN is on the minus strand). VCF-style: chr2-178718116-C-T. GRCh37 (hg19) VCF-style: chr2-179582843-C-T.
Other names: c.23939G>A, p.Trp7980Ter (NM_001256850.1); c.21158G>A, p.Trp7053Ter (NM_133378.4); c.13282+19966G>A (NM_003319.4); c.13858+19966G>A (NM_133437.4); c.13657+19966G>A (NM_133432.3); short protein forms W7053*, W7980*, W8297*.
Identifiers: ClinVar variation 1055616 (VCV001055616.9), dbSNP rs2154299355, ClinGen allele CA349495318.